The following is an entry in ClinVar:

NM_000492.4(CFTR):c.2810T>C (p.Leu937Pro)

Gene: CFTR (CF transmembrane conductance regulator; plus strand). Cytogenetic location: 7q31.2.
Variant type: single nucleotide variant.
Coding change: c.2810T>C on transcript NM_000492.4 (MANE Select); coding-DNA position 2810, T replaced by C.
Protein change: p.Leu937Pro; replaces leucine 937 with proline.
Molecular consequence: missense variant.
Genome position (GRCh38, 1-based): chr7:117,603,684, T>C. VCF-style: chr7-117603684-T-C. GRCh37 (hg19) VCF-style: chr7-117243738-T-C.
Other names: short protein forms L937P.
Identifiers: ClinVar variation 1796330 (VCV001796330.2), dbSNP rs2485122133, ClinGen allele CA368986980.

ClinVar aggregate classification (germline): Uncertain significance (1 of 4 stars; one submission).

Conditions:
Cystic fibrosis (CF). Also called: MUCOVISCIDOSIS. Identifiers: Orphanet 586, MedGen C0010674, MONDO:0009061, OMIM 219700. Disease mechanism: loss of function.

Submission:

Ambry Genetics
Classification: Uncertain significance for Cystic fibrosis. Last evaluated: 2021-07-20. Review status: criteria provided, single submitter. Criteria: Ambry Variant Classification Scheme 2023. Collection method: clinical testing. Allele origin: germline.
Comment: The p.L937P variant (also known as c.2810T>C), located in coding exon 17 of the CFTR gene, results from a T to C substitution at nucleotide position 2810. The leucine at codon 937 is replaced by proline, an amino acid with similar properties. This amino acid position is conserved. In addition, this alteration is predicted to be deleterious by in silico analysis. Since supporting evidence is limited at this time, the clinical significance of this alteration remains unclear.